The following is an entry in ClinVar:

NM_000059.4(BRCA2):c.1524A>G (p.Ile508Met)

Gene: BRCA2 (BRCA2 DNA repair associated; plus strand). Cytogenetic location: 13q13.1.
Variant type: single nucleotide variant.
Coding change: c.1524A>G on transcript NM_000059.4 (MANE Select); coding-DNA position 1524, A replaced by G.
Protein change: p.Ile508Met; replaces isoleucine 508 with methionine.
Molecular consequence: missense variant.
Genome position (GRCh38, 1-based): chr13:32,333,002, A>G. VCF-style: chr13-32333002-A-G. GRCh37 (hg19) VCF-style: chr13-32907139-A-G.
Other names: short protein forms I508M.
Identifiers: ClinVar variation 819448 (VCV000819448.15), dbSNP rs1593893119, ClinGen allele CA387764569.

ClinVar aggregate classification (germline): Conflicting classifications of pathogenicity. Review status: criteria provided, conflicting classifications (1 of 4 stars). 3 submissions from 3 submitters: Uncertain significance (2); Likely benign (1). Last evaluated 2023-03-23.

Conditions:
Hereditary breast ovarian cancer syndrome. Also called: Hereditary breast and ovarian cancer syndrome (HBOC); Breast and ovarian cancer; BRCA1- and BRCA2-Associated Hereditary Breast and Ovarian Cancer; Hereditary breast and/or ovarian cancer syndrome; Hereditary breast and ovarian cancer syndrome; Hereditary breast and ovarian cancer. Identifiers: Orphanet 145, MedGen C0677776, MeSH D061325, MONDO:0003582. Disease mechanism: loss of function.
Hereditary cancer-predisposing syndrome. Also called: Tumor predisposition; Hereditary neoplastic syndrome; Neoplastic Syndromes, Hereditary; Hereditary Cancer Syndrome. Identifiers: Orphanet 140162, MedGen C0027672, MeSH D009386, MONDO:0015356.

Submissions (3):

University of Washington Department of Laboratory Medicine, University of Washington
Classification: Likely benign for Hereditary cancer-predisposing syndrome. Last evaluated: 2023-03-23. Review status: criteria provided, single submitter. Criteria: Dines et al. (Genet Med. 2020). Collection method: curation. Allele origin: germline.
Comment: Missense variant in a coldspot region where missense variants are very unlikely to be pathogenic (PMID:31911673).

BRCA2 exon 10 coldspot. Reclassification based on statistical prior probability.

Labcorp Genetics (formerly Invitae), Labcorp
Classification: Uncertain significance for Hereditary breast ovarian cancer syndrome. Last evaluated: 2019-07-17. Review status: criteria provided, single submitter. Criteria: Invitae Variant Classification Sherloc (09022015). Collection method: clinical testing. Allele origin: germline.
Comment: This sequence change replaces isoleucine with methionine at codon 508 of the BRCA2 protein (p.Ile508Met). The isoleucine residue is weakly conserved and there is a small physicochemical difference between isoleucine and methionine. This variant is not present in population databases (ExAC no frequency). This variant has not been reported in the literature in individuals with BRCA2-related conditions. Algorithms developed to predict the effect of missense changes on protein structure and function output the following: SIFT: "Tolerated"; PolyPhen-2: "Benign"; Align-GVGD: "Class C0". The methionine amino acid residue is found in multiple mammalian species, suggesting that this missense change does not adversely affect protein function. These predictions have not been confirmed by published functional studies and their clinical significance is uncertain. In summary, the available evidence is currently insufficient to determine the role of this variant in disease. Therefore, it has been classified as a Variant of Uncertain Significance.

Ambry Genetics
Classification: Uncertain significance for Hereditary cancer-predisposing syndrome. Last evaluated: 2018-05-04. Review status: criteria provided, single submitter. Criteria: Ambry Variant Classification Scheme 2023. Collection method: clinical testing. Allele origin: germline.
Comment: The p.I508M variant (also known as c.1524A>G), located in coding exon 9 of the BRCA2 gene, results from an A to G substitution at nucleotide position 1524. The isoleucine at codon 508 is replaced by methionine, an amino acid with highly similar properties. This amino acid position is not well conserved in available vertebrate species. In addition, this alteration is predicted to be tolerated by in silico analysis. Since supporting evidence is limited at this time, the clinical significance of this alteration remains unclear.